The following is an entry in ClinVar:

ClinVar aggregate classification (germline): Conflicting classifications of pathogenicity. Review status: criteria provided, conflicting classifications (1 of 4 stars). 3 submissions from 3 submitters: Uncertain significance (2); Benign (1). Last evaluated 2025-04-15.

Conditions:
CHARGE syndrome (CHARGE). Also called: Hittner Hirsch Kreh syndrome; CHARGE ASSOCIATION--COLOBOMA, HEART ANOMALY, CHOANAL ATRESIA, RETARDATION, GENITAL AND EAR ANOMALIES; Coloboma, heart anomaly, choanal atresia, retardation, genital and ear anomalies; CHARGE association; Hall-Hittner syndrome. Identifiers: Orphanet 138, MedGen C0265354, MONDO:0008965.
Hypogonadotropic hypogonadism 5 with or without anosmia (KAL5). Also called: CHD7-Related GnRH Deficiency (Kallmann Syndrome 5); HYPOGONADOTROPIC HYPOGONADISM 5 WITH ANOSMIA; HYPOGONADOTROPHIC HYPOGONADISM 5 WITHOUT ANOSMIA. Identifiers: Orphanet 478, MedGen C3552553, MONDO:0012880, OMIM 612370. Disease mechanism: loss of function.
Inborn genetic diseases. Identifiers: MedGen C0950123, MeSH D030342.

Allele frequency attached by ClinVar (database versions not stated): TOPMed 0.00003; ESP Exome Variant Server 0.00008.
gnomAD v4.1: 8 of 1,613,708 alleles (0.0005%); highest among the groups gnomAD compares: African/African-American, 0.0093%; no homozygotes.

Submissions (3):

Labcorp Genetics (formerly Invitae), Labcorp
Classification: Benign for CHARGE syndrome. Last evaluated: 2025-04-15. Review status: criteria provided, single submitter. Criteria: Invitae Variant Classification Sherloc (09022015). Collection method: clinical testing. Allele origin: germline.

Fulgent Genetics
Classification: Uncertain significance for CHD7-related CHARGE syndrome; Hypogonadotropic hypogonadism 5 with or without anosmia. Last evaluated: 2024-02-23. Review status: criteria provided, single submitter. Criteria: ACMG Guidelines, 2015. Collection method: clinical testing. Allele origin: germline.

Ambry Genetics
Classification: Uncertain significance for Inborn genetic diseases. Last evaluated: 2019-04-08. Review status: criteria provided, single submitter. Criteria: Ambry Variant Classification Scheme 2023. Collection method: clinical testing. Allele origin: germline.
Comment: The p.F765L variant (also known as c.2295C>G), located in coding exon 4 of the CHD7 gene, results from a C to G substitution at nucleotide position 2295. The phenylalanine at codon 765 is replaced by leucine, an amino acid with highly similar properties. This amino acid position is well conserved in available vertebrate species. In addition, this alteration is predicted to be tolerated by in silico analysis. Since supporting evidence is limited at this time, the clinical significance of this alteration remains unclear.

NM_017780.4(CHD7):c.2295C>G (p.Phe765Leu)

Gene: CHD7 (chromodomain helicase DNA binding protein 7; plus strand). Cytogenetic location: 8q12.2.
Variant type: single nucleotide variant.
Coding change: c.2295C>G on transcript NM_017780.4 (MANE Select); coding-DNA position 2295, C replaced by G.
Protein change: p.Phe765Leu; replaces phenylalanine 765 with leucine.
Molecular consequence: missense variant. On other transcripts: intron variant (1).
Genome position (GRCh38, 1-based): chr8:60,800,444, C>G. VCF-style: chr8-60800444-C-G. GRCh37 (hg19) VCF-style: chr8-61713003-C-G.
Other names: c.1716+19394C>G (NM_001316690.1); short protein forms F765L.
Identifiers: ClinVar variation 1789158 (VCV001789158.8), dbSNP rs200006916, ClinGen allele CA4759671.